The following is an entry in ClinVar:

ClinVar aggregate classification (germline): Uncertain significance (1 of 4 stars; one submission).

Conditions:
Inborn genetic diseases. Identifiers: MedGen C0950123, MeSH D030342.

Submission:

Ambry Genetics
Classification: Uncertain significance for Inborn genetic diseases. Last evaluated: 2026-05-22. Review status: criteria provided, single submitter. Criteria: Ambry Variant Classification Scheme 2023. Collection method: clinical testing. Allele origin: germline.
Comment: The p.C872R variant (also known as c.2614T>C), located in coding exon 13 of the ASXL1 gene, results from a T to C substitution at nucleotide position 2614. The cysteine at codon 872 is replaced by arginine, an amino acid with highly dissimilar properties. This amino acid position is conserved. In addition, this alteration is predicted to be tolerated by in silico analysis. Based on the available evidence, the clinical significance of this variant remains unclear.

NM_015338.6(ASXL1):c.2614T>C (p.Cys872Arg)

Gene: ASXL1 (ASXL transcriptional regulator 1; plus strand). Cytogenetic location: 20q11.21.
Variant type: single nucleotide variant.
Coding change: c.2614T>C on transcript NM_015338.6 (MANE Select); coding-DNA position 2614, T replaced by C.
Protein change: p.Cys872Arg; replaces cysteine 872 with arginine.
Molecular consequence: missense variant.
Genome position (GRCh38, 1-based): chr20:32,435,326, T>C. VCF-style: chr20-32435326-T-C. GRCh37 (hg19) VCF-style: chr20-31023129-T-C.
Other names: c.2431T>C, p.Cys811Arg (NM_001363734.1); short protein forms C811R, C872R.
Identifiers: ClinVar variation 4864744 (VCV004864744.1).